The following is an entry in ClinVar:

ClinVar aggregate classification (germline): Uncertain significance (1 of 4 stars; one submission).

Allele frequency attached by ClinVar (database versions not stated): gnomAD exomes 0.00001 and 0.00002; ExAC 0.00002; TOPMed 0.00002; gnomAD 0.00003.
gnomAD v4.1: 10 of 1,611,848 alleles (0.00062%); highest among the groups gnomAD compares: East Asian, 0.0067%; no homozygotes.

Submission:

Labcorp Genetics (formerly Invitae), Labcorp
Classification: Uncertain significance. Last evaluated: 2025-01-12. Review status: criteria provided, single submitter. Criteria: Invitae Variant Classification Sherloc (09022015). Collection method: clinical testing. Allele origin: germline.
Comment: This sequence change replaces valine, which is neutral and non-polar, with methionine, which is neutral and non-polar, at codon 221 of the CLCN7 protein (p.Val221Met). This variant is present in population databases (rs765414526, gnomAD 0.02%). This variant has not been reported in the literature in individuals affected with CLCN7-related conditions. ClinVar contains an entry for this variant (Variation ID: 1380769). An algorithm developed to predict the effect of missense changes on protein structure and function (PolyPhen-2) suggests that this variant is likely to be disruptive. In summary, the available evidence is currently insufficient to determine the role of this variant in disease. Therefore, it has been classified as a Variant of Uncertain Significance.

NM_001287.6(CLCN7):c.661G>A (p.Val221Met)

Gene: CLCN7 (chloride voltage-gated channel 7; minus strand). Cytogenetic location: 16p13.3.
Variant type: single nucleotide variant.
Coding change: c.661G>A on transcript NM_001287.6 (MANE Select); coding-DNA position 661, G replaced by A.
Protein change: p.Val221Met; replaces valine 221 with methionine.
Molecular consequence: missense variant.
Genome position (GRCh38, 1-based): chr16:1,459,121, C>T on the plus strand (G>A on the coding strand, the complement: CLCN7 is on the minus strand). VCF-style: chr16-1459121-C-T. GRCh37 (hg19) VCF-style: chr16-1509122-C-T.
Other names: c.589G>A, p.Val197Met (NM_001114331.3); short protein forms V221M, V197M.
Identifiers: ClinVar variation 1380769 (VCV001380769.6), dbSNP rs765414526, ClinGen allele CA7810677.